The following is an entry in ClinVar:

NM_003062.4(SLIT3):c.3390C>T (p.Asn1130=)

Gene: SLIT3 (slit guidance ligand 3; minus strand). Cytogenetic location: 5q34.
Variant type: single nucleotide variant.
Coding change: c.3390C>T on transcript NM_003062.4 (MANE Select); coding-DNA position 3390, C replaced by T.
Protein change: p.Asn1130=; no amino-acid change (asparagine 1130 retained).
Molecular consequence: synonymous variant.
Genome position (GRCh38, 1-based): chr5:168,685,852, G>A on the plus strand (C>T on the coding strand, the complement: SLIT3 is on the minus strand). VCF-style: chr5-168685852-G-A. GRCh37 (hg19) VCF-style: chr5-168112857-G-A.
Other names: c.3411C>T, p.Asn1137= (NM_001271946.2).
Identifiers: ClinVar variation 5041100 (VCV005041100.1).

ClinVar aggregate classification (germline): Likely benign (1 of 4 stars; one submission).

Submission:

CeGaT Center for Human Genetics Tuebingen
Classification: Likely benign. Last evaluated: 2026-09-01. Review status: criteria provided, single submitter. Criteria: CeGaT Center For Human Genetics Tuebingen Variant Classification Criteria Version 2. Collection method: clinical testing. Allele origin: germline. Affected: yes. Observed: 1 variant allele.
Comment: SLIT3: BP4, BP7